The following is an entry in ClinVar:

NM_001042681.2(RERE):c.4A>G (p.Thr2Ala)

Gene: RERE (arginine-glutamic acid dipeptide repeats; minus strand). Cytogenetic location: 1p36.23.
Variant type: single nucleotide variant.
Coding change: c.4A>G on transcript NM_001042681.2 (MANE Select); coding-DNA position 4, A replaced by G.
Protein change: p.Thr2Ala; replaces threonine 2 with alanine.
Molecular consequence: missense variant.
Genome position (GRCh38, 1-based): chr1:8,656,294, T>C on the plus strand (A>G on the coding strand, the complement: RERE is on the minus strand). VCF-style: chr1-8656294-T-C. GRCh37 (hg19) VCF-style: chr1-8716353-T-C.
Other names: c.4A>G (NM_012102.3); c.4A>G, p.Thr2Ala (NM_012102.4); short protein forms T2A.
Identifiers: ClinVar variation 1478661 (VCV001478661.7), dbSNP rs1459831671, ClinGen allele CA338223363.

ClinVar aggregate classification (germline): Uncertain significance. Review status: criteria provided, multiple submitters, no conflicts (2 of 4 stars). 2 submissions from 2 submitters: Uncertain significance (2). Last evaluated 2025-02-10.

Conditions:
Inborn genetic diseases. Identifiers: MedGen C0950123, MeSH D030342.

Allele frequency attached by ClinVar (database versions not stated): gnomAD exomes below 0.00001.
gnomAD v4.1: 2 of 1,612,690 alleles (0.00012%); highest among the groups gnomAD compares: Non-Finnish European, 0.00017%; no homozygotes.

Submissions (2):

Labcorp Genetics (formerly Invitae), Labcorp
Classification: Uncertain significance. Last evaluated: 2025-02-10. Review status: criteria provided, single submitter. Criteria: Invitae Variant Classification Sherloc (09022015). Collection method: clinical testing. Allele origin: germline.
Comment: This sequence change replaces threonine, which is neutral and polar, with alanine, which is neutral and non-polar, at codon 2 of the RERE protein (p.Thr2Ala). This variant is not present in population databases (gnomAD no frequency). This variant has not been reported in the literature in individuals affected with RERE-related conditions. ClinVar contains an entry for this variant (Variation ID: 1478661). Invitae Evidence Modeling of protein sequence and biophysical properties (such as structural, functional, and spatial information, amino acid conservation, physicochemical variation, residue mobility, and thermodynamic stability) indicates that this missense variant is not expected to disrupt RERE protein function with a negative predictive value of 95%. In summary, the available evidence is currently insufficient to determine the role of this variant in disease. Therefore, it has been classified as a Variant of Uncertain Significance.

Ambry Genetics
Classification: Uncertain significance for Inborn genetic diseases. Last evaluated: 2024-10-07. Review status: criteria provided, single submitter. Criteria: Ambry Variant Classification Scheme 2023. Collection method: clinical testing. Allele origin: germline.